The following is an entry in ClinVar:

ClinVar aggregate classification (germline): Conflicting classifications of pathogenicity. Review status: criteria provided, conflicting classifications (1 of 4 stars). 3 submissions from 3 submitters: Pathogenic (1); Likely pathogenic (1); Uncertain significance (1). Last evaluated 2024-05-31.

Conditions:
Neurofibromatosis, type 1 (NF1). Also called: NEUROFIBROMATOSIS, TYPE I, SOMATIC; VON RECKLINGHAUSEN DISEASE; Peripheral type neurofibromatosis; Neurofibromatosis, type I. Identifiers: Orphanet 636, MedGen C0027831, MONDO:0018975, OMIM 162200. Disease mechanism: loss of function.

Submissions (3):

GeneDx
Classification: Likely pathogenic. Last evaluated: 2024-05-31. Review status: criteria provided, single submitter. Criteria: GeneDx Variant Classification Process June 2021. Collection method: clinical testing. Allele origin: germline. Affected: yes.
Comment: In-frame deletion of 1 amino acids in a non-repeat region predicted to critically alter the protein; Not observed at significant frequency in large population cohorts (gnomAD); In silico analysis supports a deleterious effect on protein structure/function; Identified in patients reported to meet clinical diagnostic criteria for Neurofibromatosis type 1 referred for genetic testing at GeneDx and in published literature (Bakir et al, 2023) Bakir et al 2023 Acta Oncol Tru 56(1):60-65; This variant is associated with the following publications: (PMID: 25074460, Bakir2023[article], 25486365, 22807134)

Labcorp Genetics (formerly Invitae), Labcorp
Classification: Pathogenic for Neurofibromatosis, type 1. Last evaluated: 2023-03-31. Review status: criteria provided, single submitter. Criteria: Invitae Variant Classification Sherloc (09022015). Collection method: clinical testing. Allele origin: germline.
Comment: This variant, c.3656_3658del, results in the deletion of 1 amino acid(s) of the NF1 protein (p.Gly1219del), but otherwise preserves the integrity of the reading frame. This variant is not present in population databases (gnomAD no frequency). This variant has been observed in individual(s) with neurofibromatosis, type 1 (PMID: 25074460). This variant is also known as c.3654_3656delAGG. ClinVar contains an entry for this variant (Variation ID: 547632). This variant disrupts a region of the NF1 protein in which other variant(s) (p.Gly1219Val) have been determined to be pathogenic (PMID: 31573083; Invitae). This suggests that this is a clinically significant region of the protein, and that variants that disrupt it are likely to be disease-causing. For these reasons, this variant has been classified as Pathogenic.

Center for Human Genetics, Inc
Classification: Uncertain significance for Neurofibromatosis, type 1. Last evaluated: 2016-11-01. Review status: criteria provided, single submitter. Criteria: ACMG Guidelines, 2015. Collection method: clinical testing. Allele origin: germline. Affected: yes.

Literature cited by the submitters: PubMed 25074460 (cited by Labcorp Genetics (formerly Invitae), Labcorp); PubMed 31573083 (cited by Labcorp Genetics (formerly Invitae), Labcorp).

NM_001042492.3(NF1):c.3656_3658del (p.Gly1219del)

Gene: NF1 (neurofibromin 1; plus strand). Cytogenetic location: 17q11.2.
Variant type: Deletion.
Coding change: c.3656_3658del on transcript NM_001042492.3 (MANE Select); coding-DNA positions 3656 to 3658, 3 bases deleted (GAG; older notation c.3656_3658delGAG).
Protein change: p.Gly1219del; deletes glycine 1219.
Molecular consequence: inframe deletion. On other transcripts: inframe indel (1).
Genome position (GRCh38, 1-based): chr17:31,233,161-31,233,163, GAG deleted; deleting any 3 consecutive bases within chr17:31,233,159-31,233,163 gives the same sequence; the c. name uses the placement nearest the transcript's 3' end. VCF-style (leftmost placement, unchanged base first): chr17-31233158-AAGG-A. GRCh37 (hg19) VCF-style: chr17-29560176-AAGG-A.
Other names: c.3656_3658delGAG (NM_000267.3); c.3656_3658delGAG, p.Gly1219del (NM_000267.4); short protein forms G1219del.
Identifiers: ClinVar variation 547632 (VCV000547632.5), dbSNP rs1555615077, ClinGen allele CA658824756.